The following is an entry in ClinVar:

ClinVar aggregate classification (germline): Uncertain significance (1 of 4 stars; one submission).

Allele frequency attached by ClinVar (database versions not stated): gnomAD exomes 0.00011; ExAC 0.00014; gnomAD 0.00003; TOPMed 0.00006.
gnomAD v4.1: 32 of 1,613,458 alleles (0.002%); highest among the groups gnomAD compares: East Asian, 0.049%; no homozygotes.

Submission:

Labcorp Genetics (formerly Invitae), Labcorp
Classification: Uncertain significance. Last evaluated: 2025-08-19. Review status: criteria provided, single submitter. Criteria: Invitae Variant Classification Sherloc (09022015). Collection method: clinical testing. Allele origin: germline.
Comment: This sequence change falls in intron 6 of the IRF9 gene. It does not directly change the encoded amino acid sequence of the IRF9 protein. It affects a nucleotide within the consensus splice site. This variant is present in population databases (rs769393072, gnomAD 0.1%), and has an allele count higher than expected for a pathogenic variant. This variant has not been reported in the literature in individuals affected with IRF9-related conditions. ClinVar contains an entry for this variant (Variation ID: 1393215). Variants that disrupt the consensus splice site are a relatively common cause of aberrant splicing (PMID: 17576681, 9536098). Algorithms developed to predict the effect of sequence changes on RNA splicing suggest that this variant is not likely to affect RNA splicing. In summary, the available evidence is currently insufficient to determine the role of this variant in disease. Therefore, it has been classified as a Variant of Uncertain Significance.

Literature cited by the submitters: PubMed 17576681; PubMed 9536098.

NM_006084.5(IRF9):c.649+4C>T

Gene: IRF9 (interferon regulatory factor 9; plus strand). Cytogenetic location: 14q12.
Variant type: single nucleotide variant.
Coding change: c.649+4C>T on transcript NM_006084.5 (MANE Select); 4 bases into the intron after coding-DNA position 649, C replaced by T.
Molecular consequence: intron variant.
Genome position (GRCh38, 1-based): chr14:24,164,138, C>T. VCF-style: chr14-24164138-C-T. GRCh37 (hg19) VCF-style: chr14-24633347-C-T.
Other names: c.649+4C>T (NM_001385400.1, NM_001385401.1, NM_001385402.1).
Identifiers: ClinVar variation 1393215 (VCV001393215.6), dbSNP rs769393072, ClinGen allele CA7126510.